The following is an entry in ClinVar:

NM_182916.3(TRNT1):c.711del (p.Ile238fs)

Gene: TRNT1 (tRNA nucleotidyl transferase 1; plus strand). Cytogenetic location: 3p26.2.
Variant type: Deletion.
Coding change: c.711del on transcript NM_182916.3 (MANE Select); coding-DNA position 711, one base deleted (G; older notation c.711delG).
Protein change: p.Ile238fs; shifts the reading frame from isoleucine 238.
Molecular consequence: frameshift variant. On other transcripts: non-coding transcript variant (6).
Genome position (GRCh38, 1-based): chr3:3,146,532, G deleted; the last of 2 consecutive G bases (chr3:3,146,531-3,146,532); deleting either gives the same sequence. VCF-style (leftmost placement, unchanged base first): chr3-3146530-AG-A. GRCh37 (hg19) VCF-style: chr3-3188214-AG-A.
Other names: c.711del, p.Ile238fs (NM_001302946.2, NM_001367321.1, NM_001367322.1 and 1 more transcripts); short protein forms I238fs.
Identifiers: ClinVar variation 1074520 (VCV001074520.5), dbSNP rs2126034894, ClinGen allele CA2499216646.

ClinVar aggregate classification (germline): Pathogenic (1 of 4 stars; one submission).

Conditions:
Congenital sideroblastic anemia-B-cell immunodeficiency-periodic fever-developmental delay syndrome. Also called: Sideroblastic anemia with B-cell immunodeficiency, periodic fevers, and developmental delay. Identifiers: Orphanet 369861, MedGen C4015172, MONDO:0014487, OMIM 616084.

Submission:

Labcorp Genetics (formerly Invitae), Labcorp
Classification: Pathogenic for Congenital sideroblastic anemia-B-cell immunodeficiency-periodic fever-developmental delay syndrome. Last evaluated: 2020-03-17. Review status: criteria provided, single submitter. Criteria: Invitae Variant Classification Sherloc (09022015). Collection method: clinical testing. Allele origin: germline.
Comment: For these reasons, this variant has been classified as Pathogenic. Loss-of-function variants in TRNT1 are known to be pathogenic (PMID: 25193871). This variant has not been reported in the literature in individuals with TRNT1-related conditions. This variant is not present in population databases (ExAC no frequency). This sequence change creates a premature translational stop signal (p.Ile238Phefs*5) in the TRNT1 gene. It is expected to result in an absent or disrupted protein product.

Literature cited by the submitters: PubMed 25193871.